The following is an entry in ClinVar:

NM_000540.3(RYR1):c.45+1G>A

Gene: RYR1 (ryanodine receptor 1; plus strand). Cytogenetic location: 19q13.2.
Variant type: single nucleotide variant.
Coding change: c.45+1G>A on transcript NM_000540.3 (MANE Select); the canonical splice donor site of the intron after coding-DNA position 45, G replaced by A.
Molecular consequence: splice donor variant.
Genome position (GRCh38, 1-based): chr19:38,433,875, G>A. VCF-style: chr19-38433875-G-A. GRCh37 (hg19) VCF-style: chr19-38924515-G-A.
Other names: c.45+1G>A (NM_001042723.2).
Identifiers: ClinVar variation 2026049 (VCV002026049.4), dbSNP rs2513929213, ClinGen allele CA405668650.

ClinVar aggregate classification (germline): Likely pathogenic (1 of 4 stars; one submission).

Conditions:
RYR1-related disorder. Also called: RYR1-related condition; RYR1-related disorders. Identifiers: MedGen CN239331.

Submission:

Labcorp Genetics (formerly Invitae), Labcorp
Classification: Likely pathogenic for RYR1-related disorder. Last evaluated: 2022-08-22. Review status: criteria provided, single submitter. Criteria: Invitae Variant Classification Sherloc (09022015). Collection method: clinical testing. Allele origin: germline.
Comment: In summary, the currently available evidence indicates that the variant is pathogenic, but additional data are needed to prove that conclusively. Therefore, this variant has been classified as Likely Pathogenic. Algorithms developed to predict the effect of sequence changes on RNA splicing suggest that this variant may disrupt the consensus splice site. This variant has not been reported in the literature in individuals affected with RYR1-related conditions. This variant is not present in population databases (gnomAD no frequency). This sequence change affects a donor splice site in intron 1 of the RYR1 gene. It is expected to disrupt RNA splicing. Variants that disrupt the donor or acceptor splice site typically lead to a loss of protein function (PMID: 16199547), and loss-of-function variants in RYR1 are known to be pathogenic (PMID: 20583297, 20839240, 23919265, 28818389).

Literature cited by the submitters: PubMed 16199547; PubMed 20583297; PubMed 20839240; PubMed 23919265; PubMed 28818389.